The following is an entry in ClinVar:

NM_000135.4(FANCA):c.1A>C (p.Met1Leu)

Genes: FANCA (FA complementation group A; minus strand), LOC112486223 (Sharpr-MPRA regulatory region 3988; plus strand). Cytogenetic location: 16q24.3.
Variant type: single nucleotide variant.
Coding change: c.1A>C on transcript NM_000135.4 (MANE Select); coding-DNA position 1, A replaced by C.
Protein change: p.Met1Leu; changes the start codon (methionine 1).
Molecular consequence: missense variant, initiator codon variant.
Genome position (GRCh38, 1-based): chr16:89,816,615, T>G on the plus strand (A>C on the coding strand, the complement: FANCA is on the minus strand). VCF-style: chr16-89816615-T-G. GRCh37 (hg19) VCF-style: chr16-89883023-T-G.
Other names: c.1A>C (LRG_495t1, NM_000135.3); c.1A>C, p.Met1Leu (NM_001018112.3, NM_001286167.3, NM_001351830.2); short protein forms M1L.
Identifiers: ClinVar variation 553521 (VCV000553521.15), dbSNP rs772751654, ClinGen allele CA8253280.

ClinVar aggregate classification (germline): Pathogenic/Likely pathogenic. Review status: criteria provided, multiple submitters, no conflicts (2 of 4 stars). 6 submissions from 6 submitters: Pathogenic (4); Likely pathogenic (1). 1 of the submissions does not count toward it. Last evaluated 2024-04-05.

Conditions:
Fanconi anemia complementation group A (FANCA). Also called: Fanconi anemia, group A; FANCA-Related Fanconi Anemia. Identifiers: Orphanet 84, MedGen C3469521, MONDO:0009215, OMIM 227650.
Fanconi anemia (FA). Also called: Fanconi's anemia. Identifiers: Orphanet 84, MedGen C0015625, MeSH D005199, MONDO:0019391.

Allele frequency attached by ClinVar (database versions not stated): ExAC 0.00008.

Submissions (6):

Fulgent Genetics
Classification: Pathogenic for Fanconi anemia complementation group A. Last evaluated: 2024-04-05. Review status: criteria provided, single submitter. Criteria: ACMG Guidelines, 2015. Collection method: clinical testing. Allele origin: germline.

Quest Diagnostics Nichols Institute San Juan Capistrano
Classification: Likely pathogenic. Last evaluated: 2024-03-28. Review status: criteria provided, single submitter. Criteria: Quest Diagnostics criteria. Collection method: clinical testing. Allele origin: unknown.
Comment: The FANCA c.1A>C variant disrupts the translation initiation codon of the FANCA mRNA and is predicted to interfere with FANCA protein synthesis. This variant has been reported in the published literature in in individuals and families with Fanconi anemia (PMIDs: 29098742 (2018) and 35417938 (2023)), as well as colon adenocarcinoma (PMIDs: 29625052 (2018) and 36451132 (2022)). The frequency of this variant in the general population, 0.000025 (3/120082 chromosomes (Genome Aggregation Database)), is uninformative in the assessment of its pathogenicity. Based on the available information, this variant is classified as likely pathogenic.

GeneDx
Classification: Pathogenic. Last evaluated: 2023-12-21. Review status: criteria provided, single submitter. Criteria: GeneDx Variant Classification Process June 2021. Collection method: clinical testing. Allele origin: germline. Affected: yes.
Comment: Identified in patients with Fanconi anemia who also possessed another FANCA variant (PMID: 29098742); Initiation codon variant in a gene for which loss of function is a known mechanism of disease; This variant is associated with the following publications: (PMID: 10090479, 16084127, 24584348, 23898106, 29625052, 15643609, 29098742, 30031030, 30792206, 36451132)

Labcorp Genetics (formerly Invitae), Labcorp
Classification: Pathogenic for Fanconi anemia. Last evaluated: 2023-09-26. Review status: criteria provided, single submitter. Criteria: Invitae Variant Classification Sherloc (09022015). Collection method: clinical testing. Allele origin: germline.
Comment: For these reasons, this variant has been classified as Pathogenic. ClinVar contains an entry for this variant (Variation ID: 553521). Disruption of the initiator codon has been observed in individuals with Fanconi anemia (PMID: 10090479, 15643609, 16084127, 23898106, 24584348). This variant is present in population databases (rs772751654, gnomAD 0.009%). This sequence change affects the initiator methionine of the FANCA mRNA. The next in-frame methionine is located at codon 116.

Myriad Genetics, Inc.
Classification: Pathogenic for Fanconi anemia complementation group A. Last evaluated: 2021-11-16. Review status: criteria provided, single submitter. Criteria: Myriad Women's Health Autosomal Recessive and X-Linked Classification Criteria (2021). Collection method: clinical testing. Allele origin: unknown.
Comment: NM_000135.2(FANCA):c.1A>C(M1?) is an initiation codon variant classified as pathogenic in the context of Fanconi anemia complementation group A. M1? has been observed in cases with relevant disease (PMID: 29098742). Functional assessments of this variant are not available in the literature. M1? has been observed in population frequency databases (gnomAD: AMR 0.01%). In summary, NM_000135.2(FANCA):c.1A>C(M1?) is an initiation codon variant in a gene where loss of function is a known mechanism of disease and is predicted to disrupt protein function. Please note: this variant was assessed in the context of healthy population screening.

Leiden Open Variation Database
Classification: Likely pathogenic for Fanconi anemia complementation group A. Last evaluated: 2020-02-28. Review status: no assertion criteria provided. Collection method: curation. Allele origin: germline. Affected: yes. Not counted in ClinVar's aggregate classification.
Comment: Curator: Arleen D. Auerbach. Submitter to LOVD: Sue Richards.

Literature cited by the submitters: PubMed 29098742 (cited by Quest Diagnostics Nichols Institute San Juan Capistrano and Myriad Genetics, Inc.); PubMed 35417938 (cited by Quest Diagnostics Nichols Institute San Juan Capistrano); PubMed 29625052 (cited by Quest Diagnostics Nichols Institute San Juan Capistrano); PubMed 36451132 (cited by Quest Diagnostics Nichols Institute San Juan Capistrano); PubMed 10090479 (cited by Labcorp Genetics (formerly Invitae), Labcorp); PubMed 15643609 (cited by Labcorp Genetics (formerly Invitae), Labcorp); PubMed 16084127 (cited by Labcorp Genetics (formerly Invitae), Labcorp); PubMed 23898106 (cited by Labcorp Genetics (formerly Invitae), Labcorp); PubMed 24584348 (cited by Labcorp Genetics (formerly Invitae), Labcorp).